The following is an entry in ClinVar:

NM_004525.3(LRP2):c.9992A>G (p.Gln3331Arg)

Gene: LRP2 (LDL receptor related protein 2; minus strand). Cytogenetic location: 2q31.1.
Variant type: single nucleotide variant.
Coding change: c.9992A>G on transcript NM_004525.3 (MANE Select); coding-DNA position 9992, A replaced by G.
Protein change: p.Gln3331Arg; replaces glutamine 3331 with arginine.
Molecular consequence: missense variant.
Genome position (GRCh38, 1-based): chr2:169,182,173, T>C on the plus strand (A>G on the coding strand, the complement: LRP2 is on the minus strand). VCF-style: chr2-169182173-T-C. GRCh37 (hg19) VCF-style: chr2-170038683-T-C.
Other names: short protein forms Q3331R.
Identifiers: ClinVar variation 1470516 (VCV001470516.5), dbSNP rs778421549, ClinGen allele CA1953469.
Genomic context (GRCh38, chr2:169,182,173, plus strand): 5'-CAGAGGCAGAAGAAGGAGGTGAAAGAAAAGCCCAGGATTGCAGGGAGACAATACCCATAT[T>C]GAGGGTGAAGGGCAAGTCCTCTGGGATTATCAAAGCAGAAGGTGTTGTTGGCATCCACAC-3'
Protein context (NP_004516.2, residues 3321-3341): DNPRGLALHP[Gln3331Arg]YGYLYWADWG

ClinVar aggregate classification (germline): Uncertain significance (1 of 4 stars; one submission).

Allele frequency attached by ClinVar (database versions not stated): gnomAD exomes below 0.00001; ExAC 0.00002; gnomAD 0.00001.
gnomAD v4.1: 8 of 1,613,978 alleles (0.0005%); highest among the groups gnomAD compares: South Asian, 0.0022%; no homozygotes.

Submission:

Labcorp Genetics (formerly Invitae), Labcorp
Classification: Uncertain significance. Last evaluated: 2021-08-30. Review status: criteria provided, single submitter. Criteria: Invitae Variant Classification Sherloc (09022015). Collection method: clinical testing. Allele origin: germline.
Comment: This sequence change replaces glutamine with arginine at codon 3331 of the LRP2 protein (p.Gln3331Arg). The glutamine residue is moderately conserved and there is a small physicochemical difference between glutamine and arginine. This variant is present in population databases (rs778421549, ExAC 0.03%). This variant has not been reported in the literature in individuals affected with LRP2-related conditions. Advanced modeling of protein sequence and biophysical properties (such as structural, functional, and spatial information, amino acid conservation, physicochemical variation, residue mobility, and thermodynamic stability) performed at Invitae indicates that this missense variant is not expected to disrupt LRP2 protein function. In summary, the available evidence is currently insufficient to determine the role of this variant in disease. Therefore, it has been classified as a Variant of Uncertain Significance.